The following is an entry in ClinVar:

ClinVar aggregate classification (germline): Uncertain significance (1 of 4 stars; one submission).

Allele frequency attached by ClinVar (database versions not stated): ExAC 0.00001.
gnomAD v4.1: 1 of 1,536,802 alleles (0.000065%); highest among the groups gnomAD compares: Admixed American, 0.0019%; no homozygotes.

Submission:

GeneDx
Classification: Uncertain significance. Last evaluated: 2023-05-09. Review status: criteria provided, single submitter. Criteria: GeneDx Variant Classification Process June 2021. Collection method: clinical testing. Allele origin: germline. Affected: yes.
Comment: Not observed at significant frequency in large population cohorts (gnomAD); Alters the last nucleotide of the TAA stop codon to a TAG stop codon; Has not been previously published as pathogenic or benign to our knowledge

NM_004447.6(EPS8):c.2469A>G (p.Ter823=)

Gene: EPS8 (EGFR pathway substrate 8, signaling adaptor; minus strand). Cytogenetic location: 12p12.3.
Variant type: single nucleotide variant.
Coding change: c.2469A>G on transcript NM_004447.6 (MANE Select); coding-DNA position 2469, A replaced by G.
Protein change: p.Ter823=.
Molecular consequence: synonymous variant. On other transcripts: non-coding transcript variant (3).
Genome position (GRCh38, 1-based): chr12:15,621,317, T>C on the plus strand (A>G on the coding strand, the complement: EPS8 is on the minus strand). VCF-style: chr12-15621317-T-C. GRCh37 (hg19) VCF-style: chr12-15774251-T-C.
Other names: c.2505A>G, p.Ter835= (NM_001413831.1); c.2469A>G, p.Ter823= (NM_001413832.1, NM_001413833.1, NM_001413834.1); c.2229A>G, p.Ter743= (NM_001413835.1, NM_001413836.1); c.2052A>G, p.Ter684= (NM_001413837.1); c.1689A>G, p.Ter563= (NM_001413838.1).
Identifiers: ClinVar variation 2663377 (VCV002663377.1), dbSNP rs768984505, ClinGen allele CA6467251.